The following is an entry in ClinVar:

ClinVar aggregate classification (germline): Pathogenic. Review status: reviewed by expert panel (3 of 4 stars). 3 submissions from 3 submitters: Pathogenic (1). 2 of the submissions do not count toward it. Last evaluated 2017-12-08.

Conditions:
CFTR-related disorder (CFTR-RD). Also called: CFTR-related disorders; CFTR-related condition. Identifiers: MedGen C5924204, MONDO:7770004.
Cystic fibrosis (CF). Also called: MUCOVISCIDOSIS. Identifiers: Orphanet 586, MedGen C0010674, MONDO:0009061, OMIM 219700. Disease mechanism: loss of function.

gnomAD v4.1: 1 of 1,603,138 alleles (0.000062%); highest among the groups gnomAD compares: African/African-American, 0.0013%; no homozygotes.

Submissions (3):

CFTR2
Classification: Pathogenic for Cystic fibrosis. Last evaluated: 2017-12-08. Review status: reviewed by expert panel. Criteria: Sosnay PR et al. (Nat Genet 2013). Collection method: research. Allele origin: germline. Affected: yes.

Natera, Inc.
Classification: Pathogenic for CFTR-related disorders. Last evaluated: 2024-02-26. Review status: criteria provided, single submitter. Criteria: Natera Variant Classification Schema (03/2026). Collection method: clinical testing. Allele origin: germline. Not counted in ClinVar's aggregate classification.
Comment: The c.1687T>G variant in CFTR is a missense variant predicted to cause substitution of tyrosine to aspartic acid at amino acid 563. This variant is rare in the general population with a frequency below the threshold expected for the associated phenotype(s). This variant has been observed in one or more individuals affected with the associated recessive disease, as either homozygous or compound heterozygous with a second variant (PMID: 30888834). Functional studies show that this variant may disrupt protein function (PMID: 29805046). A different variant at the same position has been determined to be Pathogenic or Likely Pathogenic. Computational prediction algorithms indicate this variant is likely to affect gene or protein function. Given the available evidence, this variant is classified as Pathogenic.

ClinVar Staff, National Center for Biotechnology Information (NCBI)
No classification provided. Condition: CFTR-related disorders. Review status: no classification provided. Collection method: literature only. Allele origin: germline. Affected: yes. Not counted in ClinVar's aggregate classification.

Literature cited by the submitters: PubMed 30888834 (cited by Natera, Inc.); PubMed 29805046 (cited by Natera, Inc.); PubMed 9150159 (cited by ClinVar Staff, National Center for Biotechnology Information (NCBI)).

NM_000492.4(CFTR):c.1687T>G (p.Tyr563Asp)

Gene: CFTR (CF transmembrane conductance regulator; plus strand). Cytogenetic location: 7q31.2.
Variant type: single nucleotide variant.
Coding change: c.1687T>G on transcript NM_000492.4 (MANE Select); coding-DNA position 1687, T replaced by G.
Protein change: p.Tyr563Asp; replaces tyrosine 563 with aspartic acid.
Molecular consequence: missense variant.
Genome position (GRCh38, 1-based): chr7:117,590,360, T>G. VCF-style: chr7-117590360-T-G. GRCh37 (hg19) VCF-style: chr7-117230414-T-G.
Other names: short protein forms Y563D.
Identifiers: ClinVar variation 53342 (VCV000053342.4), dbSNP rs121909006, ClinGen allele CA326608.